The following is an entry in ClinVar:

ClinVar aggregate classification (germline): Uncertain significance (1 of 4 stars; one submission).

Submission:

GeneDx
Classification: Uncertain significance. Last evaluated: 2026-04-07. Review status: criteria provided, single submitter. Criteria: GeneDx Variant Classification Process June 2021. Collection method: clinical testing. Allele origin: germline.
Comment: Not observed at significant frequency in large population cohorts (gnomAD); In silico analysis supports that this missense variant has a deleterious effect on protein structure/function; Has not been previously published as pathogenic or benign to our knowledge

NM_001318510.2(ACSL4):c.223A>G (p.Lys75Glu)

Gene: ACSL4 (acyl-CoA synthetase long chain family member 4; minus strand). Cytogenetic location: Xq23.
Variant type: single nucleotide variant.
Coding change: c.223A>G on transcript NM_001318510.2 (MANE Select); coding-DNA position 223, A replaced by G.
Protein change: p.Lys75Glu; replaces lysine 75 with glutamic acid.
Molecular consequence: missense variant.
Genome position (GRCh38, 1-based): chrX:109,683,141, T>C on the plus strand (A>G on the coding strand, the complement: ACSL4 is on the minus strand). VCF-style: chrX-109683141-T-C. GRCh37 (hg19) VCF-style: chrX-108926370-T-C.
Other names: c.346A>G, p.Lys116Glu (NM_001318509.2, NM_001437245.1, NM_001437247.1 and 2 more transcripts); c.223A>G, p.Lys75Glu (NM_001437250.1, NM_001437251.1, NM_001437252.1 and 2 more transcripts); short protein forms K116E, K75E.
Identifiers: ClinVar variation 5018280 (VCV005018280.1).